The following is an entry in ClinVar:

ClinVar aggregate classification (germline): Uncertain significance. Review status: criteria provided, multiple submitters, no conflicts (2 of 4 stars). 2 submissions from 2 submitters: Uncertain significance (2). Last evaluated 2025-08-21.

Conditions:
Kabuki syndrome 1 (KABUK1). Also called: KMT2D-Related Kabuki Syndrome. Identifiers: Orphanet 2322, MedGen CN030661, MONDO:0007843, OMIM 147920.
Kabuki syndrome. Also called: Kabuki make-up syndrome; NIIKAWA-KUROKI SYNDROME. Identifiers: Orphanet 2322, MedGen C0796004, MONDO:0016512.

gnomAD v4.1: 5 of 1,612,238 alleles (0.00031%); highest among the groups gnomAD compares: Admixed American, 0.0017%; no homozygotes.

Submissions (2):

3billion
Classification: Uncertain significance for Kabuki syndrome 1. Last evaluated: 2025-08-21. Review status: criteria provided, single submitter. Criteria: ACMG Guidelines, 2015. Collection method: clinical testing. Allele origin: germline. Affected: yes.
Comment: The variant is observed at an extremely low frequency in the gnomAD v4.1.0 dataset (total allele frequency: <0.001%). Predicted Consequence/Location: Missense variant In silico tools predict the variant to alter splicing and produce an abnormal transcript [SpliceAI: 0.77 (>=0.2, moderate evidence for spliceogenicity)]. The same nucleotide change resulting in the same amino acid change has been previously reported to be associated with KMT2D-related disorder (PMID: 21607748). However, the evidence of pathogenicity is insufficient at this time. Therefore, this variant is classified as VUS according to the recommendation of ACMG/AMP guideline.

Labcorp Genetics (formerly Invitae), Labcorp
Classification: Uncertain significance for Kabuki syndrome. Last evaluated: 2024-10-24. Review status: criteria provided, single submitter. Criteria: Invitae Variant Classification Sherloc (09022015). Collection method: clinical testing. Allele origin: germline.
Comment: This sequence change replaces alanine, which is neutral and non-polar, with valine, which is neutral and non-polar, at codon 1718 of the KMT2D protein (p.Ala1718Val). This variant is present in population databases (rs111266743, gnomAD 0.003%). This missense change has been observed in individual(s) with congenital heart defects and/or Kabuki syndrome (PMID: 21607748, 28884922). Invitae Evidence Modeling of protein sequence and biophysical properties (such as structural, functional, and spatial information, amino acid conservation, physicochemical variation, residue mobility, and thermodynamic stability) indicates that this missense variant is not expected to disrupt KMT2D protein function with a negative predictive value of 95%. Algorithms developed to predict the effect of sequence changes on RNA splicing suggest that this variant may create or strengthen a splice site. In summary, the available evidence is currently insufficient to determine the role of this variant in disease. Therefore, it has been classified as a Variant of Uncertain Significance.

Literature cited by the submitters: PubMed 21607748 (cited by 3billion and Labcorp Genetics (formerly Invitae), Labcorp); PubMed 28884922 (cited by Labcorp Genetics (formerly Invitae), Labcorp).

NM_003482.4(KMT2D):c.5153C>T (p.Ala1718Val)

Gene: KMT2D (lysine methyltransferase 2D; minus strand). Cytogenetic location: 12q13.12.
Variant type: single nucleotide variant.
Coding change: c.5153C>T on transcript NM_003482.4 (MANE Select); coding-DNA position 5153, C replaced by T.
Protein change: p.Ala1718Val; replaces alanine 1718 with valine.
Molecular consequence: missense variant.
Genome position (GRCh38, 1-based): chr12:49,044,235, G>A on the plus strand (C>T on the coding strand, the complement: KMT2D is on the minus strand). VCF-style: chr12-49044235-G-A. GRCh37 (hg19) VCF-style: chr12-49438018-G-A.
Other names: short protein forms A1718V.
Identifiers: ClinVar variation 3721142 (VCV003721142.3).